The following is an entry in ClinVar:

NM_001040142.2(SCN2A):c.1741A>G (p.Arg581Gly)

Gene: SCN2A (sodium voltage-gated channel alpha subunit 2; plus strand). Cytogenetic location: 2q24.3.
Variant type: single nucleotide variant.
Coding change: c.1741A>G on transcript NM_001040142.2 (MANE Select); coding-DNA position 1741, A replaced by G.
Protein change: p.Arg581Gly; replaces arginine 581 with glycine.
Molecular consequence: missense variant.
Genome position (GRCh38, 1-based): chr2:165,323,225, A>G. VCF-style: chr2-165323225-A-G. GRCh37 (hg19) VCF-style: chr2-166179735-A-G.
Other names: c.1741A>G, p.Arg581Gly (NM_001040143.2, NM_001371246.1, NM_001371247.1 and 1 more transcripts); short protein forms R581G.
Identifiers: ClinVar variation 2940838 (VCV002940838.3), dbSNP rs1553571898, ClinGen allele CA349026554.
Genomic context (GRCh38, chr2:165,323,225, plus strand): 5'-AGCATCCGTGGCTCCCTTTTCTCTCCAAGACGCAACAGTAGGGCGAGCCTTTTCAGCTTC[A>G]GAGGTCGAGCAAAGGACATTGGCTCTGAGAATGACTTTGCTGATGATGAGCACAGCACCT-3'
Protein context (NP_001035232.1, residues 571-591): RNSRASLFSF[Arg581Gly]GRAKDIGSEN

ClinVar aggregate classification (germline): Uncertain significance (1 of 4 stars; one submission).

Conditions:
Seizures, benign familial infantile, 3 (BFIS3). Also called: CONVULSIONS, BENIGN FAMILIAL INFANTILE, 3; Familial neonatal seizures. Identifiers: Orphanet 140927, Orphanet 306, MedGen C1843140, MONDO:0011904, OMIM 607745.
Developmental and epileptic encephalopathy, 11 (DEE11). Also called: Early infantile epileptic encephalopathy 11. Identifiers: Orphanet 1934, MedGen C3150987, MONDO:0013388, OMIM 613721.

Submission:

Labcorp Genetics (formerly Invitae), Labcorp
Classification: Uncertain significance for Seizures, benign familial infantile, 3; Developmental and epileptic encephalopathy, 11. Last evaluated: 2022-10-19. Review status: criteria provided, single submitter. Criteria: Invitae Variant Classification Sherloc (09022015). Collection method: clinical testing. Allele origin: germline.
Comment: This sequence change replaces arginine, which is basic and polar, with glycine, which is neutral and non-polar, at codon 581 of the SCN2A protein (p.Arg581Gly). This variant is not present in population databases (gnomAD no frequency). This variant has not been reported in the literature in individuals affected with SCN2A-related conditions. Advanced modeling of protein sequence and biophysical properties (such as structural, functional, and spatial information, amino acid conservation, physicochemical variation, residue mobility, and thermodynamic stability) has been performed at Invitae for this missense variant, however the output from this modeling did not meet the statistical confidence thresholds required to predict the impact of this variant on SCN2A protein function. In summary, the available evidence is currently insufficient to determine the role of this variant in disease. Therefore, it has been classified as a Variant of Uncertain Significance.